The following is an entry in ClinVar:

ClinVar aggregate classification (germline): Uncertain significance. Review status: criteria provided, multiple submitters, no conflicts (2 of 4 stars). 2 submissions from 2 submitters: Uncertain significance (2). Last evaluated 2024-01-24.

Allele frequency attached by ClinVar (database versions not stated): ESP Exome Variant Server 0.00008; ExAC 0.00010; gnomAD exomes 0.00010 and 0.00018; TOPMed 0.00015; gnomAD 0.00016 and 0.00017.
gnomAD v4.1: 282 of 1,611,042 alleles (0.018%); highest among the groups gnomAD compares: Non-Finnish European, 0.023%; no homozygotes.

Submissions (2):

Labcorp Genetics (formerly Invitae), Labcorp
Classification: Uncertain significance. Last evaluated: 2024-01-24. Review status: criteria provided, single submitter. Criteria: Invitae Variant Classification Sherloc (09022015). Collection method: clinical testing. Allele origin: germline.
Comment: This sequence change replaces aspartic acid, which is acidic and polar, with tyrosine, which is neutral and polar, at codon 494 of the TBCK protein (p.Asp494Tyr). This variant is present in population databases (rs374100516, gnomAD 0.02%). This variant has not been reported in the literature in individuals affected with TBCK-related conditions. ClinVar contains an entry for this variant (Variation ID: 1362436). Advanced modeling of protein sequence and biophysical properties (such as structural, functional, and spatial information, amino acid conservation, physicochemical variation, residue mobility, and thermodynamic stability) performed at Invitae indicates that this missense variant is expected to disrupt TBCK protein function with a positive predictive value of 80%. In summary, the available evidence is currently insufficient to determine the role of this variant in disease. Therefore, it has been classified as a Variant of Uncertain Significance.

Blueprint Genetics
Classification: Uncertain significance. Last evaluated: 2023-03-14. Review status: criteria provided, single submitter. Criteria: ACMG Guidelines, 2015. Collection method: clinical testing. Allele origin: germline.

NM_001163435.3(TBCK):c.1480G>T (p.Asp494Tyr)

Gene: TBCK (TBC1 domain containing kinase; minus strand). Cytogenetic location: 4q24.
Variant type: single nucleotide variant.
Coding change: c.1480G>T on transcript NM_001163435.3 (MANE Select); coding-DNA position 1480, G replaced by T.
Protein change: p.Asp494Tyr; replaces aspartic acid 494 with tyrosine.
Molecular consequence: missense variant.
Genome position (GRCh38, 1-based): chr4:106,233,620, C>A on the plus strand (G>T on the coding strand, the complement: TBCK is on the minus strand). VCF-style: chr4-106233620-C-A. GRCh37 (hg19) VCF-style: chr4-107154777-C-A.
Other names: c.1480G>T, p.Asp494Tyr (NM_001163436.4); c.1363G>T, p.Asp455Tyr (NM_001163437.3); c.964G>T, p.Asp322Tyr (NM_001290768.2); c.1291G>T, p.Asp431Tyr (NM_033115.5); short protein forms D322Y, D455Y, D494Y, D431Y.
Identifiers: ClinVar variation 1362436 (VCV001362436.5), dbSNP rs374100516, ClinGen allele CA3035042.